The following is an entry in ClinVar:

ClinVar aggregate classification (germline): Uncertain significance (1 of 4 stars; one submission).

gnomAD v4.1: 3 of 1,613,590 alleles (0.00019%); highest among the groups gnomAD compares: Admixed American, 0.0033%; no homozygotes.

Submission:

Quest Diagnostics Nichols Institute San Juan Capistrano
Classification: Uncertain significance. Last evaluated: 2025-02-14. Review status: criteria provided, single submitter. Criteria: Quest Diagnostics criteria. Collection method: clinical testing. Allele origin: unknown.
Comment: The XRCC2 c.337G>A (p.Gly113Arg) variant has not been reported in individuals with XRCC2-related conditions in the published literature. The frequency of this variant in the general population (Genome Aggregation Database) is uninformative in the assessment of its pathogenicity. Analysis of this variant using bioinformatics tools for the prediction of the effect of amino acid changes on protein structure and function yielded predictions that this variant is benign. Based on the available information, we are unable to determine the clinical significance of this variant.

NM_005431.2(XRCC2):c.337G>A (p.Gly113Arg)

Gene: XRCC2 (X-ray repair cross complementing 2; minus strand). Cytogenetic location: 7q36.1.
Variant type: single nucleotide variant.
Coding change: c.337G>A on transcript NM_005431.2 (MANE Select); coding-DNA position 337, G replaced by A.
Protein change: p.Gly113Arg; replaces glycine 113 with arginine.
Molecular consequence: missense variant.
Genome position (GRCh38, 1-based): chr7:152,649,148, C>T on the plus strand (G>A on the coding strand, the complement: XRCC2 is on the minus strand). VCF-style: chr7-152649148-C-T. GRCh37 (hg19) VCF-style: chr7-152346233-C-T.
Other names: short protein forms G113R.
Identifiers: ClinVar variation 4533082 (VCV004533082.1).